The following is an entry in ClinVar:

NM_015001.3(SPEN):c.6812G>C (p.Gly2271Ala)

Gene: SPEN (spen family transcriptional repressor; plus strand). Cytogenetic location: 1p36.13.
Variant type: single nucleotide variant.
Coding change: c.6812G>C on transcript NM_015001.3 (MANE Select); coding-DNA position 6812, G replaced by C.
Protein change: p.Gly2271Ala; replaces glycine 2271 with alanine.
Molecular consequence: missense variant.
Genome position (GRCh38, 1-based): chr1:15,933,052, G>C. VCF-style: chr1-15933052-G-C. GRCh37 (hg19) VCF-style: chr1-16259547-G-C.
Other names: short protein forms G2271A.
Identifiers: ClinVar variation 2630241 (VCV002630241.1), dbSNP rs866048146, ClinGen allele CA338637676.

ClinVar aggregate classification (germline): Uncertain significance (1 of 4 stars; one submission).

Conditions:
SPEN-related disorder. Also called: SPEN-related condition.

Submission:

PreventionGenetics, part of Exact Sciences
Classification: Uncertain significance for SPEN-related condition. Last evaluated: 2023-04-07. Review status: criteria provided, single submitter. Criteria: ACMG Guidelines, 2015. Collection method: clinical testing. Allele origin: germline.
Comment: The SPEN c.6812G>C variant is predicted to result in the amino acid substitution p.Gly2271Ala. To our knowledge, this variant has not been reported in the literature or in a large population database, indicating this variant is rare. At this time, the clinical significance of this variant is uncertain due to the absence of conclusive functional and genetic evidence.